The following is an entry in ClinVar:

NM_015338.6(ASXL1):c.2038G>T (p.Gly680Cys)

Gene: ASXL1 (ASXL transcriptional regulator 1; plus strand). Cytogenetic location: 20q11.21.
Variant type: single nucleotide variant.
Coding change: c.2038G>T on transcript NM_015338.6 (MANE Select); coding-DNA position 2038, G replaced by T.
Protein change: p.Gly680Cys; replaces glycine 680 with cysteine.
Molecular consequence: missense variant.
Genome position (GRCh38, 1-based): chr20:32,434,750, G>T. VCF-style: chr20-32434750-G-T. GRCh37 (hg19) VCF-style: chr20-31022553-G-T.
Other names: c.1855G>T, p.Gly619Cys (NM_001363734.1); short protein forms G619C, G680C.
Identifiers: ClinVar variation 3620769 (VCV003620769.2).
Genomic context (GRCh38, chr20:32,434,750, plus strand): 5'-GGCAGAGGCAGCAGCAGTGGTGATGGTGGTGAGGCCTGTGGCCACCCTGAGCCCAGGGGA[G>T]GCCCGAGCACCCCTGGAAAGTGTACGTCAGATCTACAGCGAACACAACTACTGCCGCCTT-3'
Protein context (NP_056153.2, residues 670-690): EACGHPEPRG[Gly680Cys]PSTPGKCTSD

ClinVar aggregate classification (germline): Uncertain significance (1 of 4 stars; one submission).

gnomAD v4.1: 1 of 1,613,390 alleles (0.000062%); highest among the groups gnomAD compares: Non-Finnish European, 0.000085%; no homozygotes.

Submission:

Labcorp Genetics (formerly Invitae), Labcorp
Classification: Uncertain significance. Last evaluated: 2024-07-30. Review status: criteria provided, single submitter. Criteria: Invitae Variant Classification Sherloc (09022015). Collection method: clinical testing. Allele origin: germline.
Comment: This sequence change replaces glycine, which is neutral and non-polar, with cysteine, which is neutral and slightly polar, at codon 680 of the ASXL1 protein (p.Gly680Cys). This variant is not present in population databases (gnomAD no frequency). This variant has not been reported in the literature in individuals affected with ASXL1-related conditions. An algorithm developed to predict the effect of missense changes on protein structure and function (PolyPhen-2) suggests that this variant is likely to be tolerated. In summary, the available evidence is currently insufficient to determine the role of this variant in disease. Therefore, it has been classified as a Variant of Uncertain Significance.